The following is an entry in ClinVar:

NM_000093.5(COL5A1):c.3481A>T (p.Ile1161Phe)

Gene: COL5A1 (collagen type V alpha 1 chain; plus strand). Cytogenetic location: 9q34.3.
Variant type: single nucleotide variant.
Coding change: c.3481A>T on transcript NM_000093.5 (MANE Select); coding-DNA position 3481, A replaced by T.
Protein change: p.Ile1161Phe; replaces isoleucine 1161 with phenylalanine.
Molecular consequence: missense variant.
Genome position (GRCh38, 1-based): chr9:134,810,261, A>T. VCF-style: chr9-134810261-A-T. GRCh37 (hg19) VCF-style: chr9-137702107-A-T.
Other names: c.3481A>T, p.Ile1161Phe (NM_001278074.1); short protein forms I1161F.
Identifiers: ClinVar variation 3268753 (VCV003268753.2).

ClinVar aggregate classification (germline): Uncertain significance. Review status: criteria provided, multiple submitters, no conflicts (2 of 4 stars). 2 submissions from 2 submitters: Uncertain significance (2). Last evaluated 2025-06-05.

Conditions:
Familial thoracic aortic aneurysm and aortic dissection (TAAD). Also called: Thoracic aortic aneurysms and dissections. Identifiers: Orphanet 91387, MedGen C4707243, MONDO:0019625.

Submissions (2):

Women's Health and Genetics/Laboratory Corporation of America, LabCorp
Classification: Uncertain significance. Last evaluated: 2025-06-05. Review status: criteria provided, single submitter. Criteria: LabCorp Variant Classification Summary - May 2015. Collection method: clinical testing. Allele origin: germline.
Comment: Variant summary: COL5A1 c.3481A>T (p.Ile1161Phe) results in a non-conservative amino acid change in the encoded protein sequence. Algorithms developed to predict the effect of missense changes on protein structure and function are either unavailable or do not agree on the potential impact of this missense change. The variant was absent in 251208 control chromosomes. The available data on variant occurrences in the general population are insufficient to allow any conclusion about variant significance. c.3481A>T has been observed in an individual affected with Bicuspid aortic valve (e.g. Wu_2021). These report(s) do not provide unequivocal conclusions about association of the variant with Ehlers-Danlos syndrome, classic type, Ehlers-Danlos syndrome, classic type, 1. To our knowledge, no experimental evidence demonstrating an impact on protein function has been reported. The following publication has been ascertained in the context of this evaluation (PMID: 33064175). ClinVar contains an entry for this variant (Variation ID: 3268753). Based on the evidence outlined above, the variant was classified as uncertain significance.

Ambry Genetics
Classification: Uncertain significance for Familial thoracic aortic aneurysm and aortic dissection. Last evaluated: 2024-06-05. Review status: criteria provided, single submitter. Criteria: Ambry Variant Classification Scheme 2023. Collection method: clinical testing. Allele origin: germline.
Comment: The p.I1161F variant (also known as c.3481A>T), located in coding exon 44 of the COL5A1 gene, results from an A to T substitution at nucleotide position 3481. The isoleucine at codon 1161 is replaced by phenylalanine, an amino acid with highly similar properties. This variant has been reported in a bicuspid aortic valve cohort (Wu B et al. Heart Vessels, 2021 Apr;36:530-540). This amino acid position is well conserved in available vertebrate species. In addition, the in silico prediction for this alteration is inconclusive. Based on the available evidence, the clinical significance of this variant remains unclear.

Literature cited by the submitters: PubMed 33064175 (cited by Women's Health and Genetics/Laboratory Corporation of America, LabCorp and Ambry Genetics).